The following is an entry in ClinVar:

NM_024757.5(EHMT1):c.3568del (p.Arg1190fs)

Gene: EHMT1 (euchromatic histone lysine methyltransferase 1; plus strand). Cytogenetic location: 9q34.3.
Variant type: Deletion.
Coding change: c.3568del on transcript NM_024757.5 (MANE Select); coding-DNA position 3568, one base deleted (C; older notation c.3568delC).
Protein change: p.Arg1190fs; shifts the reading frame from arginine 1190.
Molecular consequence: frameshift variant.
Genome position (GRCh38, 1-based): chr9:137,834,376, C deleted. VCF-style (leftmost placement, unchanged base first): chr9-137834375-GC-G. GRCh37 (hg19) VCF-style: chr9-140728827-GC-G.
Other names: c.3547del, p.Arg1183fs (NM_001354263.2); short protein forms R1183fs, R1190fs.
Identifiers: ClinVar variation 3650046 (VCV003650046.2).

ClinVar aggregate classification (germline): Pathogenic (1 of 4 stars; one submission).

Conditions:
Kleefstra syndrome 1 (KLEFS1). Identifiers: Orphanet 261494, MedGen C0795833, MONDO:0027407, OMIM 610253.

Submission:

Labcorp Genetics (formerly Invitae), Labcorp
Classification: Pathogenic for Kleefstra syndrome 1. Last evaluated: 2024-04-16. Review status: criteria provided, single submitter. Criteria: Invitae Variant Classification Sherloc (09022015). Collection method: clinical testing. Allele origin: germline.
Comment: This sequence change creates a premature translational stop signal (p.Arg1190Glyfs*42) in the EHMT1 gene. While this is not anticipated to result in nonsense mediated decay, it is expected to disrupt the last 109 amino acid(s) of the EHMT1 protein. This variant is not present in population databases (gnomAD no frequency). This variant has not been reported in the literature in individuals affected with EHMT1-related conditions. This variant disrupts a region of the EHMT1 protein in which other variant(s) (p.Asn1194Thrfs*38) have been determined to be pathogenic (Invitae). This suggests that this is a clinically significant region of the protein, and that variants that disrupt it are likely to be disease-causing. For these reasons, this variant has been classified as Pathogenic.